The following is an entry in ClinVar:

NM_001378452.1(ITPR1):c.4015A>G (p.Met1339Val)

Gene: ITPR1 (inositol 1,4,5-trisphosphate receptor type 1; plus strand). Cytogenetic location: 3p26.1.
Variant type: single nucleotide variant.
Coding change: c.4015A>G on transcript NM_001378452.1 (MANE Select); coding-DNA position 4015, A replaced by G.
Protein change: p.Met1339Val; replaces methionine 1339 with valine.
Molecular consequence: missense variant.
Genome position (GRCh38, 1-based): chr3:4,691,330, A>G. VCF-style: chr3-4691330-A-G. GRCh37 (hg19) VCF-style: chr3-4733014-A-G.
Other names: c.3988A>G, p.Met1330Val (NM_001099952.4); c.3970A>G, p.Met1324Val (NM_001168272.2); c.3943A>G, p.Met1315Val (NM_002222.7); short protein forms M1315V, M1324V, M1330V, M1339V.
Identifiers: ClinVar variation 1303634 (VCV001303634.35), dbSNP rs372380638, ClinGen allele CA2231857.

ClinVar aggregate classification (germline): Uncertain significance. Review status: criteria provided, multiple submitters, no conflicts (2 of 4 stars). 5 submissions from 5 submitters: Uncertain significance (5). Last evaluated 2025-11-28.

Conditions:
Inborn genetic diseases. Identifiers: MedGen C0950123, MeSH D030342.

Allele frequency attached by ClinVar (database versions not stated): ExAC 0.00001; gnomAD 0.00001; gnomAD exomes 0.00001 and 0.00002; TOPMed 0.00002; ESP Exome Variant Server 0.00008.

Submissions (5):

Women's Health and Genetics/Laboratory Corporation of America, LabCorp
Classification: Uncertain significance. Last evaluated: 2025-11-28. Review status: criteria provided, single submitter. Criteria: LabCorp Variant Classification Summary - May 2015. Collection method: clinical testing. Allele origin: germline.
Comment: Variant summary: ITPR1 c.3943A>G (p.Met1315Val) results in a conservative amino acid change in the encoded protein sequence. Algorithms developed to predict the effect of missense changes on protein structure and function are either unavailable or do not agree on the potential impact of this missense change. The variant allele was found at a frequency of 8.1e-06 in 247674 control chromosomes. The available data on variant occurrences in the general population are insufficient to allow any conclusion about variant significance. To our knowledge, no occurrence of c.3943A>G in individuals affected with ITPR1-related conditions and no experimental evidence demonstrating its impact on protein function have been reported. ClinVar contains an entry for this variant (Variation ID: 1303634). Based on the evidence outlined above, the variant was classified as uncertain significance.

CeGaT Center for Human Genetics Tuebingen
Classification: Uncertain significance. Last evaluated: 2025-01-01. Review status: criteria provided, single submitter. Criteria: CeGaT Center For Human Genetics Tuebingen Variant Classification Criteria Version 2. Collection method: clinical testing. Allele origin: germline. Affected: yes. Observed: 2 variant alleles.

Labcorp Genetics (formerly Invitae), Labcorp
Classification: Uncertain significance. Last evaluated: 2023-08-17. Review status: criteria provided, single submitter. Criteria: Invitae Variant Classification Sherloc (09022015). Collection method: clinical testing. Allele origin: germline.
Comment: In summary, the available evidence is currently insufficient to determine the role of this variant in disease. Therefore, it has been classified as a Variant of Uncertain Significance. Advanced modeling of protein sequence and biophysical properties (such as structural, functional, and spatial information, amino acid conservation, physicochemical variation, residue mobility, and thermodynamic stability) has been performed at Invitae for this missense variant, however the output from this modeling did not meet the statistical confidence thresholds required to predict the impact of this variant on ITPR1 protein function. ClinVar contains an entry for this variant (Variation ID: 1303634). This variant has not been reported in the literature in individuals affected with ITPR1-related conditions. This variant is present in population databases (rs372380638, gnomAD 0.002%). This sequence change replaces methionine, which is neutral and non-polar, with valine, which is neutral and non-polar, at codon 1315 of the ITPR1 protein (p.Met1315Val).

Ambry Genetics
Classification: Uncertain significance for Inborn genetic diseases. Last evaluated: 2021-10-12. Review status: criteria provided, single submitter. Criteria: Ambry Variant Classification Scheme 2023. Collection method: clinical testing. Allele origin: germline.

GeneDx
Classification: Uncertain significance. Last evaluated: 2020-06-16. Review status: criteria provided, single submitter. Criteria: GeneDx Variant Classification Process June 2021. Collection method: clinical testing. Allele origin: germline. Affected: yes.
Comment: In silico analysis supports that this missense variant has a deleterious effect on protein structure/function; Has not been previously published as pathogenic or benign to our knowledge